The following is an entry in ClinVar:

NM_001367624.2(ZNF469):c.3660C>T (p.Asp1220=)

Gene: ZNF469 (zinc finger protein 469; plus strand). Cytogenetic location: 16q24.2.
Variant type: single nucleotide variant.
Coding change: c.3660C>T on transcript NM_001367624.2 (MANE Select); coding-DNA position 3660, C replaced by T.
Protein change: p.Asp1220=; no amino-acid change (aspartic acid 1220 retained).
Molecular consequence: synonymous variant.
Genome position (GRCh38, 1-based): chr16:88,431,130, C>T. VCF-style: chr16-88431130-C-T. GRCh37 (hg19) VCF-style: chr16-88497538-C-T.
Identifiers: ClinVar variation 3341789 (VCV003341789.16).

ClinVar aggregate classification (germline): Uncertain significance (1 of 4 stars; one submission).

gnomAD v4.1: 1 of 1,550,290 alleles (0.000065%); highest among the groups gnomAD compares: Non-Finnish European, 0.000087%; no homozygotes.

Submission:

CeGaT Center for Human Genetics Tuebingen
Classification: Uncertain significance. Last evaluated: 2024-08-01. Review status: criteria provided, single submitter. Criteria: CeGaT Center For Human Genetics Tuebingen Variant Classification Criteria Version 2. Collection method: clinical testing. Allele origin: germline. Affected: yes. Observed: 1 variant allele.
Comment: ZNF469: PM2, BP4